The following is an entry in ClinVar:

NM_000135.4(FANCA):c.3714G>A (p.Arg1238=)

Gene: FANCA (FA complementation group A; minus strand). Cytogenetic location: 16q24.3.
Variant type: single nucleotide variant.
Coding change: c.3714G>A on transcript NM_000135.4 (MANE Select); coding-DNA position 3714, G replaced by A.
Protein change: p.Arg1238=; no amino-acid change (arginine 1238 retained).
Molecular consequence: synonymous variant.
Genome position (GRCh38, 1-based): chr16:89,742,851, C>T on the plus strand (G>A on the coding strand, the complement: FANCA is on the minus strand). VCF-style: chr16-89742851-C-T. GRCh37 (hg19) VCF-style: chr16-89809259-C-T.
Other names: c.3714G>A, p.Arg1238= (NM_001286167.3); c.3714G>A (NM_000135.2).
Identifiers: ClinVar variation 1158734 (VCV001158734.11), dbSNP rs368437504, ClinGen allele CA8251012.

ClinVar aggregate classification (germline): Likely benign. Review status: criteria provided, multiple submitters, no conflicts (2 of 4 stars). 3 submissions from 3 submitters: Likely benign (2). 1 of the submissions does not count toward it. Last evaluated 2026-01-04.

Conditions:
FANCA-related disorder. Also called: FANCA-related condition.
Inborn genetic diseases. Identifiers: MedGen C0950123, MeSH D030342.
Fanconi anemia (FA). Also called: Fanconi's anemia. Identifiers: Orphanet 84, MedGen C0015625, MeSH D005199, MONDO:0019391.

Allele frequency attached by ClinVar (database versions not stated): gnomAD exomes 0.00001 and 0.00002; ExAC 0.00004; ESP Exome Variant Server 0.00015; 1000 Genomes Project 30x 0.00016; 1000 Genomes Project 0.00020.

Submissions (3):

Labcorp Genetics (formerly Invitae), Labcorp
Classification: Likely benign for Fanconi anemia. Last evaluated: 2026-01-04. Review status: criteria provided, single submitter. Criteria: Invitae Variant Classification Sherloc (09022015). Collection method: clinical testing. Allele origin: germline.

Ambry Genetics
Classification: Likely benign for Inborn genetic diseases. Last evaluated: 2024-11-28. Review status: criteria provided, single submitter. Criteria: Ambry Variant Classification Scheme 2023. Collection method: clinical testing. Allele origin: germline.

PreventionGenetics, part of Exact Sciences
Classification: Likely benign for FANCA-related condition. Last evaluated: 2024-05-31. Review status: no assertion criteria provided. Collection method: clinical testing. Allele origin: germline. Not counted in ClinVar's aggregate classification.
Comment: This variant is classified as likely benign based on ACMG/AMP sequence variant interpretation guidelines (Richards et al. 2015 PMID: 25741868, with internal and published modifications).